The following is an entry in ClinVar:

ClinVar aggregate classification (germline): Uncertain significance (1 of 4 stars; one submission).

Submission:

Labcorp Genetics (formerly Invitae), Labcorp
Classification: Uncertain significance. Last evaluated: 2022-08-09. Review status: criteria provided, single submitter. Criteria: Invitae Variant Classification Sherloc (09022015). Collection method: clinical testing. Allele origin: germline.
Comment: This sequence change falls in intron 7 of the SMAD2 gene. It does not directly change the encoded amino acid sequence of the SMAD2 protein. It affects a nucleotide within the consensus splice site. This variant is not present in population databases (gnomAD no frequency). In summary, the available evidence is currently insufficient to determine the role of this variant in disease. Therefore, it has been classified as a Variant of Uncertain Significance. Variants that disrupt the consensus splice site are a relatively common cause of aberrant splicing (PMID: 17576681, 9536098). Algorithms developed to predict the effect of sequence changes on RNA splicing suggest that this variant may disrupt the consensus splice site. ClinVar contains an entry for this variant (Variation ID: 1467918). This variant has not been reported in the literature in individuals affected with SMAD2-related conditions.

Literature cited by the submitters: PubMed 17576681; PubMed 9536098.

NM_005901.6(SMAD2):c.784+6T>G

Gene: SMAD2 (SMAD family member 2; minus strand). Cytogenetic location: 18q21.1.
Variant type: single nucleotide variant.
Coding change: c.784+6T>G on transcript NM_005901.6 (MANE Select); 6 bases into the intron after coding-DNA position 784, T replaced by G.
Molecular consequence: intron variant.
Genome position (GRCh38, 1-based): chr18:47,851,268, A>C on the plus strand (T>G on the coding strand, the complement: SMAD2 is on the minus strand). VCF-style: chr18-47851268-A-C. GRCh37 (hg19) VCF-style: chr18-45377639-A-C.
Other names: c.694+6T>G (NM_001135937.3); c.784+6T>G (NM_001003652.4).
Identifiers: ClinVar variation 1467918 (VCV001467918.7), dbSNP rs2144318809, ClinGen allele CA2573155322.